The following is an entry in ClinVar:

NM_017514.5(PLXNA3):c.3124A>G (p.Thr1042Ala)

Gene: PLXNA3 (plexin A3; plus strand). Cytogenetic location: Xq28.
Variant type: single nucleotide variant.
Coding change: c.3124A>G on transcript NM_017514.5 (MANE Select); coding-DNA position 3124, A replaced by G.
Protein change: p.Thr1042Ala; replaces threonine 1042 with alanine.
Molecular consequence: missense variant.
Genome position (GRCh38, 1-based): chrX:154,467,073, A>G. VCF-style: chrX-154467073-A-G. GRCh37 (hg19) VCF-style: chrX-153695416-A-G.
Other names: short protein forms T1042A.
Identifiers: ClinVar variation 3772279 (VCV003772279.13).

ClinVar aggregate classification (germline): Uncertain significance (1 of 4 stars; one submission).

Submission:

CeGaT Center for Human Genetics Tuebingen
Classification: Uncertain significance. Last evaluated: 2025-01-01. Review status: criteria provided, single submitter. Criteria: CeGaT Center For Human Genetics Tuebingen Variant Classification Criteria Version 2. Collection method: clinical testing. Allele origin: germline. Affected: yes. Observed: 1 variant allele.
Comment: PLXNA3: PM2